The following is an entry in ClinVar:

NM_000270.4(PNP):c.172C>T (p.Arg58Ter)

Gene: PNP (purine nucleoside phosphorylase; plus strand). Cytogenetic location: 14q11.2.
Variant type: single nucleotide variant.
Coding change: c.172C>T on transcript NM_000270.4 (MANE Select); coding-DNA position 172, C replaced by T.
Protein change: p.Arg58Ter; replaces arginine 58 with a stop codon.
Molecular consequence: nonsense.
Genome position (GRCh38, 1-based): chr14:20,472,468, C>T. VCF-style: chr14-20472468-C-T. GRCh37 (hg19) VCF-style: chr14-20940627-C-T.
Other names: short protein forms R58*.
Identifiers: ClinVar variation 13996 (VCV000013996.27), dbSNP rs104894460, ClinGen allele CA123685.

ClinVar aggregate classification (germline): Pathogenic. Review status: criteria provided, multiple submitters, no conflicts (2 of 4 stars). 6 submissions from 6 submitters: Pathogenic (5). 1 of the submissions does not count toward it. Last evaluated 2026-08-01.

Conditions:
Purine-nucleoside phosphorylase deficiency. Also called: NUCLEOSIDE PHOSPHORYLASE DEFICIENCY; Immunodeficiency due to purine nucleoside phosphorylase deficiency. Identifiers: Orphanet 760, MedGen C0268125, MONDO:0013171, OMIM 613179.

Allele frequency attached by ClinVar (database versions not stated): ExAC 0.00001; gnomAD 0.00004; TOPMed 0.00005; gnomAD exomes 0.00007 and 0.00004.
gnomAD v4.1: 111 of 1,613,688 alleles (0.0069%); highest among the groups gnomAD compares: Non-Finnish European, 0.0088%; no homozygotes.

Submissions (6):

CeGaT Center for Human Genetics Tuebingen
Classification: Pathogenic. Last evaluated: 2026-08-01. Review status: criteria provided, single submitter. Criteria: CeGaT Center For Human Genetics Tuebingen Variant Classification Criteria Version 2. Collection method: clinical testing. Allele origin: germline. Affected: yes. Observed: 2 variant alleles.
Comment: PNP: PVS1, PM2, PM3, PP4:Moderate

Labcorp Genetics (formerly Invitae), Labcorp
Classification: Pathogenic for Purine-nucleoside phosphorylase deficiency. Last evaluated: 2026-01-19. Review status: criteria provided, single submitter. Criteria: Invitae Variant Classification Sherloc (09022015). Collection method: clinical testing. Allele origin: germline.
Comment: This sequence change creates a premature translational stop signal (p.Arg58*) in the PNP gene. It is expected to result in an absent or disrupted protein product. Loss-of-function variants in PNP are known to be pathogenic (PMID: 24767876). This variant is present in population databases (rs104894460, gnomAD 0.01%). This premature translational stop signal has been observed in individuals with purine nucleoside phosphorylase (PNP) deficiency (PMID: 24767876). ClinVar contains an entry for this variant (Variation ID: 13996). For these reasons, this variant has been classified as Pathogenic.

GeneDx
Classification: Pathogenic. Last evaluated: 2025-12-10. Review status: criteria provided, single submitter. Criteria: GeneDx Variant Classification Process June 2021. Collection method: clinical testing. Allele origin: germline. Affected: yes.
Comment: Nonsense variant predicted to result in protein truncation or nonsense mediated decay in a gene for which loss of function is a known mechanism of disease; This variant is associated with the following publications: (PMID: 32695102, 11453975, 35482138, 35641516, 24767876, 33061764, 39052144, 38154455)

Fulgent Genetics
Classification: Pathogenic for Purine-nucleoside phosphorylase deficiency. Last evaluated: 2024-04-15. Review status: criteria provided, single submitter. Criteria: ACMG Guidelines, 2015. Collection method: clinical testing. Allele origin: germline.

CENTOGENE GmbH and LLC - Guiding Precision Medicine
Classification: Pathogenic for Purine-nucleoside phosphorylase deficiency. Last evaluated: 2020-12-16. Review status: criteria provided, single submitter. Criteria: ACMG Guidelines, 2015. Collection method: clinical testing. Allele origin: germline. Affected: no.

OMIM
Classification: Pathogenic for NUCLEOSIDE PHOSPHORYLASE DEFICIENCY. Last evaluated: 2001-06-01. Review status: no assertion criteria provided. Collection method: literature only. Allele origin: germline. Not counted in ClinVar's aggregate classification.

Literature cited by the submitters: PubMed 24767876 (cited by Labcorp Genetics (formerly Invitae), Labcorp); PubMed 11453975 (cited by OMIM).